The following is an entry in ClinVar:

ClinVar aggregate classification (germline): Uncertain significance. Review status: criteria provided, single submitter (1 of 4 stars). 2 submissions from 1 submitter: Uncertain significance (2). Last evaluated 2024-01-21.

Conditions:
Primary familial hypertrophic cardiomyopathy (HCM). Identifiers: Orphanet 99739, MedGen C0949658, MeSH D024741, MONDO:0024573. Inheritance: Various modes of inheritance.
Dilated cardiomyopathy 1AA (CMD1AA). Also called: CARDIOMYOPATHY, DILATED, 1AA, WITH OR WITHOUT LEFT VENTRICULAR NONCOMPACTION; CARDIOMYOPATHY, FAMILIAL HYPERTROPHIC, 23, WITH OR WITHOUT LEFT VENTRICULAR NONCOMPACTION; Cardiomyopathy, dilated, 1AA, with or without LVNC. Identifiers: Orphanet 154, MedGen C2677338, MONDO:0012808, OMIM 612158.
Catecholaminergic polymorphic ventricular tachycardia 1. Also called: RYR2-Related Catecholaminergic Polymorphic Ventricular Tachycardia; VENTRICULAR TACHYCARDIA, CATECHOLAMINERGIC POLYMORPHIC, 1, WITH OR WITHOUT ATRIAL DYSFUNCTION AND/OR DILATED CARDIOMYOPATHY; VENTRICULAR TACHYCARDIA, STRESS-INDUCED POLYMORPHIC 1. Identifiers: Orphanet 3286, MedGen C1631597, MONDO:0011484, OMIM 604772.

Submissions (2):

Labcorp Genetics (formerly Invitae), Labcorp
Classification: Uncertain significance for Primary familial hypertrophic cardiomyopathy; Dilated cardiomyopathy 1AA. Last evaluated: 2024-01-21. Review status: criteria provided, single submitter. Criteria: Invitae Variant Classification Sherloc (09022015). Collection method: clinical testing. Allele origin: unknown.
Comment: A copy number gain of the genomic region encompassing the full coding sequence of the ACTN2 gene has been identified. The boundaries of this event are unknown as they extend beyond the assayed region for this gene and therefore may encompass additional genes. As the precise location of this event is unknown, it may be in tandem or it may be located elsewhere in the genome. This variant has not been reported in the literature in individuals affected with ACTN2-related conditions. Experimental studies and prediction algorithms are not available or were not evaluated, and the functional significance of this variant is currently unknown. In summary, the available evidence is currently insufficient to determine the role of this variant in disease. Therefore, it has been classified as a Variant of Uncertain Significance.

Labcorp Genetics (formerly Invitae), Labcorp
Classification: Uncertain significance for Catecholaminergic polymorphic ventricular tachycardia 1. Last evaluated: 2024-01-21. Review status: criteria provided, single submitter. Criteria: Invitae Variant Classification Sherloc (09022015). Collection method: clinical testing. Allele origin: unknown.
Comment: This variant results in a copy number gain of the genomic region encompassing exon(s) 1 of the RYR2 gene. This region includes the initiator codon of the gene. This copy number gain extends beyond the assayed region for this gene and therefore may encompass additional genes. As the precise location of this event is unknown, it may be in tandem or it may be located elsewhere in the genome. This variant has not been reported in the literature in individuals affected with RYR2-related conditions. In summary, the available evidence is currently insufficient to determine the role of this variant in disease. Therefore, it has been classified as a Variant of Uncertain Significance.

NC_000001.10:g.(?_236849974)_(237205889_?)dup

Genes: ACTN2 (actinin alpha 2; plus strand), MT1HL1 (metallothionein 1H like 1; minus strand), MTR (5-methyltetrahydrofolate-homocysteine methyltransferase; plus strand), RYR2 (ryanodine receptor 2; plus strand). Cytogenetic location: 1q43.
Variant type: Duplication.
Identifiers: ClinVar variation 3247717 (VCV003247717.1).